The following is an entry in ClinVar:

ClinVar aggregate classification (germline): Uncertain significance (1 of 4 stars; one submission).

Conditions:
Retinitis pigmentosa 12 (RP12). Also called: RP WITH OR WITHOUT PPRPE; RP WITH OR WITHOUT PRESERVED PARAARTERIOLE RETINAL PIGMENT EPITHELIUM; RETINITIS PIGMENTOSA WITH OR WITHOUT PARAARTERIOLAR PRESERVATION OF RETINAL PIGMENT EPITHELIUM. Identifiers: Orphanet 791, MedGen C1838647, MONDO:0010818, OMIM 600105.
Leber congenital amaurosis 8 (LCA8). Identifiers: Orphanet 65, MedGen C3151202, MONDO:0013453, OMIM 613835.

Allele frequency attached by ClinVar (database versions not stated): gnomAD exomes below 0.00001; TOPMed below 0.00001.
gnomAD v4.1: 2 of 1,613,062 alleles (0.00012%); highest among the groups gnomAD compares: Non-Finnish European, 0.00017%; no homozygotes.

Submission:

Labcorp Genetics (formerly Invitae), Labcorp
Classification: Uncertain significance for Leber congenital amaurosis 8; Retinitis pigmentosa 12. Last evaluated: 2022-02-28. Review status: criteria provided, single submitter. Criteria: Invitae Variant Classification Sherloc (09022015). Collection method: clinical testing. Allele origin: germline.
Comment: This sequence change replaces serine, which is neutral and polar, with phenylalanine, which is neutral and non-polar, at codon 118 of the CRB1 protein (p.Ser118Phe). This variant is not present in population databases (gnomAD no frequency). This variant has not been reported in the literature in individuals affected with CRB1-related conditions. Advanced modeling of protein sequence and biophysical properties (such as structural, functional, and spatial information, amino acid conservation, physicochemical variation, residue mobility, and thermodynamic stability) performed at Invitae indicates that this missense variant is not expected to disrupt CRB1 protein function. In summary, the available evidence is currently insufficient to determine the role of this variant in disease. Therefore, it has been classified as a Variant of Uncertain Significance.

NM_201253.3(CRB1):c.353C>T (p.Ser118Phe)

Gene: CRB1 (crumbs cell polarity complex component 1; plus strand). Cytogenetic location: 1q31.3.
Variant type: single nucleotide variant.
Coding change: c.353C>T on transcript NM_201253.3 (MANE Select); coding-DNA position 353, C replaced by T.
Protein change: p.Ser118Phe; replaces serine 118 with phenylalanine.
Molecular consequence: missense variant. On other transcripts: non-coding transcript variant (2).
Genome position (GRCh38, 1-based): chr1:197,328,704, C>T. VCF-style: chr1-197328704-C-T. GRCh37 (hg19) VCF-style: chr1-197297834-C-T.
Other names: c.353C>T, p.Ser118Phe (NM_001193640.2, NM_001257966.2); c.146C>T, p.Ser49Phe (NM_001257965.2); short protein forms S118F, S49F.
Identifiers: ClinVar variation 2049360 (VCV002049360.1), dbSNP rs1658671249, ClinGen allele CA344085583.